The following is an entry in ClinVar:

NM_020708.5(SLC12A5):c.2260G>A (p.Val754Met)

Gene: SLC12A5 (solute carrier family 12 member 5; plus strand). Cytogenetic location: 20q13.12.
Variant type: single nucleotide variant.
Coding change: c.2260G>A on transcript NM_020708.5 (MANE Select); coding-DNA position 2260, G replaced by A.
Protein change: p.Val754Met; replaces valine 754 with methionine.
Molecular consequence: missense variant.
Genome position (GRCh38, 1-based): chr20:46,051,753, G>A. VCF-style: chr20-46051753-G-A. GRCh37 (hg19) VCF-style: chr20-44680392-G-A.
Other names: c.2329G>A, p.Val777Met (NM_001134771.2); short protein forms V777M, V754M.
Identifiers: ClinVar variation 946132 (VCV000946132.8), dbSNP rs551572064, ClinGen allele CA9887561.

ClinVar aggregate classification (germline): Uncertain significance (1 of 4 stars; one submission).

Conditions:
Developmental and epileptic encephalopathy, 34 (DEE34). Also called: Early infantile epileptic encephalopathy 34; SLC12A5-Related Epilepsy of Infancy with Migrating Focal Seizures. Identifiers: Orphanet 293181, MedGen C4225257, MONDO:0014718, OMIM 616645.

Allele frequency attached by ClinVar (database versions not stated): gnomAD 0.00001; gnomAD exomes 0.00001 and 0.00002; ExAC 0.00002; TOPMed 0.00002; 1000 Genomes Project 30x 0.00016; 1000 Genomes Project 0.00020.
gnomAD v4.1: 11 of 1,611,542 alleles (0.00068%); highest among the groups gnomAD compares: South Asian, 0.0033%; no homozygotes.

Submission:

Labcorp Genetics (formerly Invitae), Labcorp
Classification: Uncertain significance for Developmental and epileptic encephalopathy, 34. Last evaluated: 2023-11-17. Review status: criteria provided, single submitter. Criteria: Invitae Variant Classification Sherloc (09022015). Collection method: clinical testing. Allele origin: germline.
Comment: This sequence change replaces valine, which is neutral and non-polar, with methionine, which is neutral and non-polar, at codon 754 of the SLC12A5 protein (p.Val754Met). This variant is present in population databases (rs551572064, gnomAD 0.01%). This variant has not been reported in the literature in individuals affected with SLC12A5-related conditions. ClinVar contains an entry for this variant (Variation ID: 946132). Advanced modeling of protein sequence and biophysical properties (such as structural, functional, and spatial information, amino acid conservation, physicochemical variation, residue mobility, and thermodynamic stability) performed at Invitae indicates that this missense variant is not expected to disrupt SLC12A5 protein function with a negative predictive value of 80%. In summary, the available evidence is currently insufficient to determine the role of this variant in disease. Therefore, it has been classified as a Variant of Uncertain Significance.